The following is an entry in ClinVar:

ClinVar aggregate classification (germline): Conflicting classifications of pathogenicity. Review status: criteria provided, conflicting classifications (1 of 4 stars). 6 submissions from 6 submitters: Uncertain significance (3); Likely benign (2). 1 of the submissions does not count toward it. Last evaluated 2025-09-29.

Conditions:
Hereditary breast ovarian cancer syndrome. Also called: Hereditary breast and ovarian cancer syndrome (HBOC); BRCA1- and BRCA2-Associated Hereditary Breast and Ovarian Cancer; Breast and ovarian cancer; Hereditary breast and/or ovarian cancer syndrome; Hereditary breast and ovarian cancer; Hereditary breast and ovarian cancer syndrome. Identifiers: Orphanet 145, MedGen C0677776, MeSH D061325, MONDO:0003582. Disease mechanism: loss of function.
Hereditary cancer-predisposing syndrome. Also called: Hereditary neoplastic syndrome; Neoplastic Syndromes, Hereditary; Hereditary Cancer Syndrome; Tumor predisposition. Identifiers: Orphanet 140162, MedGen C0027672, MeSH D009386, MONDO:0015356.

Submissions (6):

Labcorp Genetics (formerly Invitae), Labcorp
Classification: Uncertain significance for Hereditary breast ovarian cancer syndrome. Last evaluated: 2025-09-29. Review status: criteria provided, single submitter. Criteria: Invitae Variant Classification Sherloc (09022015). Collection method: clinical testing. Allele origin: germline.
Comment: This sequence change replaces lysine, which is basic and polar, with glutamic acid, which is acidic and polar, at codon 485 of the BRCA2 protein (p.Lys485Glu). This variant is not present in population databases (gnomAD no frequency). This variant has not been reported in the literature in individuals affected with BRCA2-related conditions. ClinVar contains an entry for this variant (Variation ID: 582393). Invitae Evidence Modeling of protein sequence and biophysical properties (such as structural, functional, and spatial information, amino acid conservation, physicochemical variation, residue mobility, and thermodynamic stability) indicates that this missense variant is not expected to disrupt BRCA2 protein function with a negative predictive value of 95%. In summary, the available evidence is currently insufficient to determine the role of this variant in disease. Therefore, it has been classified as a Variant of Uncertain Significance.

Blueprint Genetics
Classification: Likely benign. Last evaluated: 2024-10-21. Review status: criteria provided, single submitter. Criteria: ACMG Guidelines, 2015. Collection method: clinical testing. Allele origin: germline.

Ambry Genetics
Classification: Uncertain significance for Hereditary cancer-predisposing syndrome. Last evaluated: 2023-10-16. Review status: criteria provided, single submitter. Criteria: Ambry Variant Classification Scheme 2023. Collection method: clinical testing. Allele origin: germline.
Comment: The p.K485E variant (also known as c.1453A>G), located in coding exon 9 of the BRCA2 gene, results from an A to G substitution at nucleotide position 1453. The lysine at codon 485 is replaced by glutamic acid, an amino acid with similar properties. This amino acid position is well conserved in available vertebrate species. In addition, this alteration is predicted to be tolerated by in silico analysis. Since supporting evidence is limited at this time, the clinical significance of this alteration remains unclear.

University of Washington Department of Laboratory Medicine, University of Washington
Classification: Likely benign for Hereditary cancer-predisposing syndrome. Last evaluated: 2023-03-23. Review status: criteria provided, single submitter. Criteria: Dines et al. (Genet Med. 2020). Collection method: curation. Allele origin: germline.
Comment: Missense variant in a coldspot region where missense variants are very unlikely to be pathogenic (PMID:31911673).

BRCA2 exon 10 coldspot. Reclassification based on statistical prior probability.

Color Diagnostics, LLC DBA Color Health
Classification: Uncertain significance for Hereditary cancer-predisposing syndrome. Last evaluated: 2019-12-09. Review status: criteria provided, single submitter. Criteria: ACMG Guidelines, 2015. Collection method: clinical testing. Allele origin: germline.
Comment: This missense variant replaces lysine with glutamic acid at codon 485 of the BRCA2 protein. Computational prediction suggests that this variant may not impact protein structure and function (internally defined REVEL score threshold <= 0.5, PMID: 27666373). Splice site prediction tools suggest that this variant may not impact RNA splicing. To our knowledge, functional studies have not been performed for this variant. This variant has not been reported in individuals affected with hereditary cancer in the literature. This variant has not been identified in the general population by the Genome Aggregation Database (gnomAD). The available evidence is insufficient to determine the role of this variant in disease conclusively. Therefore, this variant is classified as a Variant of Uncertain Significance.

International Hereditary Cancer Center PUM, Pomeranian Medical University
Classification: Uncertain significance for Hereditary breast ovarian cancer syndrome. Last evaluated: 2019-01-11. Review status: no assertion criteria provided. Collection method: clinical testing. Allele origin: germline. Inheritance: Autosomal dominant inheritance. Affected: yes. Observed: 1 heterozygote. Not counted in ClinVar's aggregate classification.

NM_000059.4(BRCA2):c.1453A>G (p.Lys485Glu)

Gene: BRCA2 (BRCA2 DNA repair associated; plus strand). Cytogenetic location: 13q13.1.
Variant type: single nucleotide variant.
Coding change: c.1453A>G on transcript NM_000059.4 (MANE Select); coding-DNA position 1453, A replaced by G.
Protein change: p.Lys485Glu; replaces lysine 485 with glutamic acid.
Molecular consequence: missense variant.
Genome position (GRCh38, 1-based): chr13:32,332,931, A>G. VCF-style: chr13-32332931-A-G. GRCh37 (hg19) VCF-style: chr13-32907068-A-G.
Other names: short protein forms K485E.
Identifiers: ClinVar variation 582393 (VCV000582393.16), dbSNP rs1566223599, ClinGen allele CA387764341.